The following is an entry in ClinVar:

ClinVar aggregate classification (germline): Uncertain significance. Review status: criteria provided, multiple submitters, no conflicts (2 of 4 stars). 3 submissions from 3 submitters: Uncertain significance (3). Last evaluated 2025-11-20.

Conditions:
Inborn genetic diseases. Identifiers: MedGen C0950123, MeSH D030342.
Charcot-Marie-Tooth disease type 2. Also called: Charcot-Marie-Tooth type 2. Identifiers: Orphanet 64746, MedGen C0270914, MONDO:0018993.
Congenital generalized lipodystrophy type 2 (CGL2). Also called: Berardinelli-Seip Congenital Lipodystrophy Type 2; BERARDINELLI SYNDROME; BRUNZELL SYNDROME, BSCL2-RELATED; SEIP SYNDROME. Identifiers: Orphanet 528, Orphanet 696289, MedGen C1720863, MONDO:0010020, OMIM 269700.

Allele frequency attached by ClinVar (database versions not stated): gnomAD exomes below 0.00001 and 0.00001; TOPMed below 0.00001; gnomAD 0.00001.
gnomAD v4.1: 11 of 1,612,480 alleles (0.00068%); highest among the groups gnomAD compares: Middle Eastern, 0.016%; no homozygotes.

Submissions (3):

Ambry Genetics
Classification: Uncertain significance for Inborn genetic diseases. Last evaluated: 2025-11-20. Review status: criteria provided, single submitter. Criteria: Ambry Variant Classification Scheme 2023. Collection method: clinical testing. Allele origin: germline.

Genomic Medicine Center of Excellence, King Faisal Specialist Hospital and Research Centre
Classification: Uncertain significance for Congenital generalized lipodystrophy type 2. Last evaluated: 2025-09-10. Review status: criteria provided, single submitter. Criteria: ACMG Guidelines, 2015. Collection method: clinical testing. Allele origin: germline.

Labcorp Genetics (formerly Invitae), Labcorp
Classification: Uncertain significance for Charcot-Marie-Tooth disease type 2. Last evaluated: 2023-04-12. Review status: criteria provided, single submitter. Criteria: Invitae Variant Classification Sherloc (09022015). Collection method: clinical testing. Allele origin: germline.
Comment: This variant is not present in population databases (gnomAD no frequency). In summary, the available evidence is currently insufficient to determine the role of this variant in disease. Therefore, it has been classified as a Variant of Uncertain Significance. Advanced modeling of protein sequence and biophysical properties (such as structural, functional, and spatial information, amino acid conservation, physicochemical variation, residue mobility, and thermodynamic stability) performed at Invitae indicates that this missense variant is not expected to disrupt BSCL2 protein function. ClinVar contains an entry for this variant (Variation ID: 1390835). This variant has not been reported in the literature in individuals affected with BSCL2-related conditions. This sequence change replaces valine, which is neutral and non-polar, with alanine, which is neutral and non-polar, at codon 66 of the BSCL2 protein (p.Val66Ala).

NM_001122955.4(BSCL2):c.389T>C (p.Val130Ala)

Genes: BSCL2 (BSCL2 lipid droplet biogenesis associated, seipin; minus strand), HNRNPUL2-BSCL2 (HNRNPUL2-BSCL2 readthrough (NMD candidate); minus strand). Cytogenetic location: 11q12.3.
Variant type: single nucleotide variant.
Coding change: c.389T>C on transcript NM_001122955.4 (MANE Select); coding-DNA position 389, T replaced by C.
Protein change: p.Val130Ala; replaces valine 130 with alanine.
Molecular consequence: missense variant. On other transcripts: non-coding transcript variant (1).
Genome position (GRCh38, 1-based): chr11:62,705,316, A>G on the plus strand (T>C on the coding strand, the complement: BSCL2 is on the minus strand). VCF-style: chr11-62705316-A-G. GRCh37 (hg19) VCF-style: chr11-62472788-A-G.
Other names: c.197T>C, p.Val66Ala (NM_001130702.2, NM_032667.6); c.389T>C, p.Val130Ala (NM_001386027.1, NM_001386028.1); short protein forms V66A, V130A.
Identifiers: ClinVar variation 1390835 (VCV001390835.8), dbSNP rs1471285147, ClinGen allele CA380970188.